The following is an entry in ClinVar:

NM_000260.4(MYO7A):c.133-2dup

Gene: MYO7A (myosin VIIA; plus strand). Cytogenetic location: 11q13.5.
Variant type: Duplication.
Coding change: c.133-2dup on transcript NM_000260.4 (MANE Select); the canonical splice acceptor site of the intron before coding-DNA position 133, one base duplicated (A; older notation c.133-2dupA).
Molecular consequence: splice acceptor variant.
Genome position (GRCh38, 1-based): chr11:77,147,796, A duplicated. VCF-style (leftmost placement, unchanged base first): chr11-77147795-C-CA. GRCh37 (hg19) VCF-style: chr11-76858841-C-CA.
Other names: c.100-2dup (NM_001369365.1); c.133-2dup (NM_001127180.2).
Identifiers: ClinVar variation 4717802 (VCV004717802.1).

ClinVar aggregate classification (germline): Uncertain significance (1 of 4 stars; one submission).

Submission:

Labcorp Genetics (formerly Invitae), Labcorp
Classification: Uncertain significance. Last evaluated: 2025-04-17. Review status: criteria provided, single submitter. Criteria: Invitae Variant Classification Sherloc (09022015). Collection method: clinical testing. Allele origin: germline.
Comment: This sequence change falls in intron 3 of the MYO7A gene. It does not directly change the encoded amino acid sequence of the MYO7A protein. It affects a nucleotide within the consensus splice site. This variant is not present in population databases (gnomAD no frequency). This variant has not been reported in the literature in individuals affected with MYO7A-related conditions. Variants that disrupt the consensus splice site are a relatively common cause of aberrant splicing (PMID: 17576681, 9536098). Algorithms developed to predict the effect of sequence changes on RNA splicing suggest that this variant may disrupt the consensus splice site. In summary, the available evidence is currently insufficient to determine the role of this variant in disease. Therefore, it has been classified as a Variant of Uncertain Significance.

Literature cited by the submitters: PubMed 17576681; PubMed 9536098.